The following is an entry in ClinVar:

ClinVar aggregate classification (germline): Uncertain significance. Review status: criteria provided, multiple submitters, no conflicts (2 of 4 stars). 2 submissions from 2 submitters: Uncertain significance (2). Last evaluated 2024-03-19.

Conditions:
Malignant hyperthermia, susceptibility to, 1 (MHS1). Also called: Anesthesia related hyperthermia; Malignant hyperpyrexia; Fulminating hyperpyrexia; Pharmacogenic myopathy; Malignant hyperthermia suceptibility 1; RYR1-Related Malignant Hyperthermia Susceptibility. Identifiers: Orphanet 423, MedGen C2930980, MONDO:0007783, OMIM 145600.
RYR1-related disorder. Also called: RYR1-related disorders; RYR1-related condition. Identifiers: MedGen CN239331.

gnomAD v4.1: 10 of 1,613,874 alleles (0.00062%); highest among the groups gnomAD compares: South Asian, 0.0022%; no homozygotes.

Submissions (2):

Color Diagnostics, LLC DBA Color Health
Classification: Uncertain significance for Malignant hyperthermia, susceptibility to, 1. Last evaluated: 2024-03-19. Review status: criteria provided, single submitter. Criteria: ACMG Guidelines, 2015. Collection method: clinical testing. Allele origin: germline.
Comment: This missense variant replaces proline with glutamine at codon 3302 of the RYR1 protein. Computational prediction suggests that this variant may not impact protein structure and function. To our knowledge, functional studies have not been reported for this variant. This variant has not been reported in individuals affected with RYR1-related disorders in the literature. This variant has been identified in 4/248746 chromosomes in the general population by the Genome Aggregation Database (gnomAD). The available evidence is insufficient to determine the role of this variant in disease conclusively. Therefore, this variant is classified as a Variant of Uncertain Significance.

Labcorp Genetics (formerly Invitae), Labcorp
Classification: Uncertain significance for RYR1-related disorder. Last evaluated: 2021-09-30. Review status: criteria provided, single submitter. Criteria: Invitae Variant Classification Sherloc (09022015). Collection method: clinical testing. Allele origin: germline.
Comment: This sequence change replaces proline with glutamine at codon 3302 of the RYR1 protein (p.Pro3302Gln). The proline residue is highly conserved and there is a moderate physicochemical difference between proline and glutamine. This variant is not present in population databases (ExAC no frequency). This variant has not been reported in the literature in individuals with RYR1-related disease. Algorithms developed to predict the effect of missense changes on protein structure and function do not agree on the potential impact of this missense change (SIFT: "Deleterious"; PolyPhen-2: "Benign"; Align-GVGD: "Class C0"). In summary, the available evidence is currently insufficient to determine the role of this variant in disease. Therefore, it has been classified as a Variant of Uncertain Significance.

NM_000540.3(RYR1):c.9905C>A (p.Pro3302Gln)

Gene: RYR1 (ryanodine receptor 1; plus strand). Cytogenetic location: 19q13.2.
Variant type: single nucleotide variant.
Coding change: c.9905C>A on transcript NM_000540.3 (MANE Select); coding-DNA position 9905, C replaced by A.
Protein change: p.Pro3302Gln; replaces proline 3302 with glutamine.
Molecular consequence: missense variant.
Genome position (GRCh38, 1-based): chr19:38,517,578, C>A. VCF-style: chr19-38517578-C-A. GRCh37 (hg19) VCF-style: chr19-39008218-C-A.
Other names: c.9905C>A, p.Pro3302Gln (NM_001042723.2); short protein forms P3302Q.
Identifiers: ClinVar variation 1404271 (VCV001404271.6), dbSNP rs777896104, ClinGen allele CA308129938.